The following is an entry in ClinVar:

NM_000051.4(ATM):c.1608T>C (p.Cys536=)

Gene: ATM (ATM serine/threonine kinase; plus strand). Cytogenetic location: 11q22.3.
Variant type: single nucleotide variant.
Coding change: c.1608T>C on transcript NM_000051.4 (MANE Select); coding-DNA position 1608, T replaced by C.
Protein change: p.Cys536=; no amino-acid change (cysteine 536 retained).
Molecular consequence: synonymous variant.
Genome position (GRCh38, 1-based): chr11:108,251,837, T>C. VCF-style: chr11-108251837-T-C. GRCh37 (hg19) VCF-style: chr11-108122564-T-C.
Other names: c.1608T>C, p.Cys536= (NM_001351834.2).
Identifiers: ClinVar variation 1009706 (VCV001009706.8), dbSNP rs2080162888, ClinGen allele CA476672022.

ClinVar aggregate classification (germline): Uncertain significance (1 of 4 stars; one submission).

Conditions:
Ataxia-telangiectasia syndrome (AT). Also called: Cerebello-oculocutaneous telangiectasia; Immunodeficiency with ataxia telangiectasia; ATAXIA-TELANGIECTASIA, COMPLEMENTATION GROUP A; ATAXIA-TELANGIECTASIA, FRESNO VARIANT; LOUIS-BAR SYNDROME; Ataxia-telangiectasia, complementation group E. Identifiers: Orphanet 100, MedGen C0004135, MONDO:0008840, OMIM 208900.

Submission:

Labcorp Genetics (formerly Invitae), Labcorp
Classification: Uncertain significance for Ataxia-telangiectasia syndrome. Last evaluated: 2025-02-25. Review status: criteria provided, single submitter. Criteria: Invitae Variant Classification Sherloc (09022015). Collection method: clinical testing. Allele origin: germline.
Comment: This sequence change affects codon 536 of the ATM mRNA. It is a 'silent' change, meaning that it does not change the encoded amino acid sequence of the ATM protein. It affects a nucleotide within the consensus splice site. This variant is not present in population databases (gnomAD no frequency). This variant has not been reported in the literature in individuals affected with ATM-related conditions. ClinVar contains an entry for this variant (Variation ID: 1009706). Algorithms developed to predict the effect of sequence changes on RNA splicing suggest that this variant is not likely to affect RNA splicing. In summary, the available evidence is currently insufficient to determine the role of this variant in disease. Therefore, it has been classified as a Variant of Uncertain Significance.